The following is an entry in ClinVar:

NM_005475.3(SH2B3):c.1262G>A (p.Arg421Gln)

Gene: SH2B3 (SH2B adaptor protein 3; plus strand). Cytogenetic location: 12q24.12.
Variant type: single nucleotide variant.
Coding change: c.1262G>A on transcript NM_005475.3 (MANE Select); coding-DNA position 1262, G replaced by A.
Protein change: p.Arg421Gln; replaces arginine 421 with glutamine.
Molecular consequence: missense variant.
Genome position (GRCh38, 1-based): chr12:111,447,681, G>A. VCF-style: chr12-111447681-G-A. GRCh37 (hg19) VCF-style: chr12-111885485-G-A.
Other names: c.656G>A, p.Arg219Gln (NM_001291424.1); short protein forms R219Q, R421Q.
Identifiers: ClinVar variation 3440776 (VCV003440776.1).

ClinVar aggregate classification (germline): Uncertain significance (1 of 4 stars; one submission).

Conditions:
Inborn genetic diseases. Identifiers: MedGen C0950123, MeSH D030342.

gnomAD v4.1: 22 of 1,613,038 alleles (0.0014%); highest among the groups gnomAD compares: African/African-American, 0.004%; no homozygotes.

Submission:

Ambry Genetics
Classification: Uncertain significance for Inborn genetic diseases. Last evaluated: 2024-11-23. Review status: criteria provided, single submitter. Criteria: Ambry Variant Classification Scheme 2023. Collection method: clinical testing. Allele origin: germline.
Comment: The p.R421Q variant (also known as c.1262G>A), located in coding exon 6 of the SH2B3 gene, results from a G to A substitution at nucleotide position 1262. The arginine at codon 421 is replaced by glutamine, an amino acid with highly similar properties. This amino acid position is conserved. In addition, this alteration is predicted to be tolerated by in silico analysis. Based on the available evidence, the clinical significance of this variant remains unclear.